The following is an entry in ClinVar:

ClinVar aggregate classification (germline): Uncertain significance (1 of 4 stars; one submission).

Allele frequency attached by ClinVar (database versions not stated): gnomAD 0.00001; gnomAD exomes 0.00001; TOPMed 0.00002.
gnomAD v4.1: 8 of 1,384,224 alleles (0.00058%); highest among the groups gnomAD compares: Admixed American, 0.012%; no homozygotes.

Submission:

Labcorp Genetics (formerly Invitae), Labcorp
Classification: Uncertain significance. Last evaluated: 2022-02-19. Review status: criteria provided, single submitter. Criteria: Invitae Variant Classification Sherloc (09022015). Collection method: clinical testing. Allele origin: germline.
Comment: This sequence change falls in intron 1 of the DGAT1 gene. It does not directly change the encoded amino acid sequence of the DGAT1 protein. It affects a nucleotide within the consensus splice site. The frequency data for this variant in the population databases is considered unreliable, as metrics indicate poor data quality at this position in the gnomAD database. This variant has not been reported in the literature in individuals affected with DGAT1-related conditions. Variants that disrupt the consensus splice site are a relatively common cause of aberrant splicing (PMID: 17576681, 9536098). Algorithms developed to predict the effect of sequence changes on RNA splicing suggest that this variant is not likely to affect RNA splicing. In summary, the available evidence is currently insufficient to determine the role of this variant in disease. Therefore, it has been classified as a Variant of Uncertain Significance.

Literature cited by the submitters: PubMed 17576681; PubMed 9536098.

NM_012079.6(DGAT1):c.200+5C>T

Gene: DGAT1 (diacylglycerol O-acyltransferase 1; minus strand). Cytogenetic location: 8q24.3.
Variant type: single nucleotide variant.
Coding change: c.200+5C>T on transcript NM_012079.6 (MANE Select); 5 bases into the intron after coding-DNA position 200, C replaced by T.
Molecular consequence: intron variant.
Genome position (GRCh38, 1-based): chr8:144,326,432, G>A on the plus strand (C>T on the coding strand, the complement: DGAT1 is on the minus strand). VCF-style: chr8-144326432-G-A. GRCh37 (hg19) VCF-style: chr8-145550095-G-A.
Identifiers: ClinVar variation 2187364 (VCV002187364.1), dbSNP rs1274153163, ClinGen allele CA585826845.
Genomic context (GRCh38, chr8:144,326,432, plus strand): 5'-TCGGCCAACCCCGGAAAGTCGCGGGGCCCTTGGGTCAGAGGTTAGGGGGTCAGGCGCTCC[G>A]CTACCTCAGCTCCCAGTGGCCGCTGCCCACGCCGGCGTCTCCGTCCTTGTTGGGGGCCGG-3'